The following is an entry in ClinVar:

NM_007294.4(BRCA1):c.4045dup (p.Thr1349fs)

Genes: BRCA1 (BRCA1 DNA repair associated; minus strand), LOC126862571 (BRD4-independent group 4 enhancer GRCh37_chr17:41243136-41244335; plus strand). Cytogenetic location: 17q21.31.
Variant type: Duplication.
Coding change: c.4045dup on transcript NM_007294.4 (MANE Select); coding-DNA position 4045, one base duplicated (A; older notation c.4045dupA).
Protein change: p.Thr1349fs; shifts the reading frame from threonine 1349.
Molecular consequence: frameshift variant. On other transcripts: intron variant (135).
Genome position (GRCh38, 1-based): chr17:43,091,486, T duplicated on the plus strand (A on the coding strand, the reverse complement: BRCA1 is on the minus strand); the first of 2 consecutive T bases (chr17:43,091,486-43,091,487); duplicating either gives the same sequence. VCF-style (leftmost placement, unchanged base first): chr17-43091485-G-GT. GRCh37 (hg19) VCF-style: chr17-41243502-G-GT.
Other names: c.4045dup (NM_007294.3); c.3832dup, p.Thr1278fs (NM_001407571.1, NM_001407853.1, NM_001407894.1 and 9 more transcripts); c.4045dup, p.Thr1349fs (NM_001407581.1, NM_001407582.1, NM_001407583.1 and 30 more transcripts); c.4042dup, p.Thr1348fs (NM_001407587.1, NM_001407590.1, NM_001407591.1 and 22 more transcripts); c.4036dup, p.Thr1346fs (NM_001407646.1, NM_001407647.1); c.3922dup, p.Thr1308fs (NM_001407648.1, NM_001407664.1, NM_001407665.1 and 19 more transcripts); c.3919dup, p.Thr1307fs (NM_001407649.1, NM_001407670.1, NM_001407671.1 and 11 more transcripts); c.3967dup, p.Thr1323fs (NM_001407653.1, NM_001407654.1, NM_001407655.1 and 4 more transcripts); and 42 more; short protein forms T1053fs, T1181fs, T1221fs, T1222fs, T1237fs, T1238fs, T1260fs, T1261fs.
Identifiers: ClinVar variation 4533107 (VCV004533107.1).
Genomic context (GRCh38, chr17:43,091,485, plus strand): 5'-GTTCCAATACCTAAGTTTGAATCCATGCTTTGCTCTTCTTGATTATTTTCTTCCAAGCCC[G>GT]TTCCTCTTTCTTCATCATCTGAAACCAATTCCTTGTCACTCAGACCAACTCCCTGGCTTT-3'

ClinVar aggregate classification (germline): Likely pathogenic (1 of 4 stars; one submission).

Submission:

Quest Diagnostics Nichols Institute San Juan Capistrano
Classification: Likely pathogenic. Last evaluated: 2025-03-19. Review status: criteria provided, single submitter. Criteria: Quest Diagnostics criteria. Collection method: clinical testing. Allele origin: unknown.
Comment: The BRCA1 c.4045dup (p.Thr1349Asnfs*7) variant alters the translational reading frame of the BRCA1 mRNA and is predicted to cause the premature termination of BRCA1 protein synthesis. This variant has not been reported in individuals with BRCA1-related conditions in the published literature. This variant has not been reported in large, multi-ethnic general populations (Genome Aggregation Database). Based on the available information, this variant is classified as likely pathogenic.